The following is an entry in ClinVar:

NM_001184.4(ATR):c.652G>T (p.Ala218Ser)

Gene: ATR (ATR checkpoint kinase; minus strand). Cytogenetic location: 3q23.
Variant type: single nucleotide variant.
Coding change: c.652G>T on transcript NM_001184.4 (MANE Select); coding-DNA position 652, G replaced by T.
Protein change: p.Ala218Ser; replaces alanine 218 with serine.
Molecular consequence: missense variant.
Genome position (GRCh38, 1-based): chr3:142,562,750, C>A on the plus strand (G>T on the coding strand, the complement: ATR is on the minus strand). VCF-style: chr3-142562750-C-A. GRCh37 (hg19) VCF-style: chr3-142281592-C-A.
Other names: c.652G>T, p.Ala218Ser (NM_001354579.2); short protein forms A218S.
Identifiers: ClinVar variation 840919 (VCV000840919.12), dbSNP rs978437399, ClinGen allele CA84755805.

ClinVar aggregate classification (germline): Uncertain significance. Review status: criteria provided, multiple submitters, no conflicts (2 of 4 stars). 4 submissions from 3 submitters: Uncertain significance (4). Last evaluated 2025-05-18.

Conditions:
Seckel syndrome 1 (SCKL1). Also called: MICROCEPHALIC PRIMORDIAL DWARFISM I. Identifiers: Orphanet 808, MedGen C4551474, MONDO:0008869, OMIM 210600.
Inborn genetic diseases. Identifiers: MedGen C0950123, MeSH D030342.
Familial cutaneous telangiectasia and oropharyngeal predisposition cancer syndrome. Identifiers: Orphanet 313846, MedGen C3281203, MONDO:0013806, OMIM 614564.

Allele frequency attached by ClinVar (database versions not stated): gnomAD 0.00004 and 0.00003; gnomAD exomes below 0.00001; TOPMed 0.00002.
gnomAD v4.1: 7 of 1,613,310 alleles (0.00043%); highest among the groups gnomAD compares: African/African-American, 0.0094%; no homozygotes.

Submissions (4):

Ambry Genetics
Classification: Uncertain significance for Inborn genetic diseases. Last evaluated: 2025-05-18. Review status: criteria provided, single submitter. Criteria: Ambry Variant Classification Scheme 2023. Collection method: clinical testing. Allele origin: germline.

Genome-Nilou Lab
Classification: Uncertain significance for Seckel syndrome 1. Last evaluated: 2023-02-08. Review status: criteria provided, single submitter. Criteria: ACMG Guidelines, 2015. Collection method: clinical testing. Allele origin: germline.

Genome-Nilou Lab
Classification: Uncertain significance for Familial cutaneous telangiectasia and oropharyngeal predisposition cancer syndrome. Last evaluated: 2023-02-08. Review status: criteria provided, single submitter. Criteria: ACMG Guidelines, 2015. Collection method: clinical testing. Allele origin: germline.

Labcorp Genetics (formerly Invitae), Labcorp
Classification: Uncertain significance. Last evaluated: 2022-05-15. Review status: criteria provided, single submitter. Criteria: Invitae Variant Classification Sherloc (09022015). Collection method: clinical testing. Allele origin: germline.
Comment: This sequence change replaces alanine, which is neutral and non-polar, with serine, which is neutral and polar, at codon 218 of the ATR protein (p.Ala218Ser). This variant is present in population databases (no rsID available, gnomAD 0.02%). In summary, the available evidence is currently insufficient to determine the role of this variant in disease. Therefore, it has been classified as a Variant of Uncertain Significance. Algorithms developed to predict the effect of missense changes on protein structure and function (SIFT, PolyPhen-2, Align-GVGD) all suggest that this variant is likely to be tolerated. ClinVar contains an entry for this variant (Variation ID: 840919). This variant has not been reported in the literature in individuals affected with ATR-related conditions.